The following is an entry in ClinVar:

ClinVar aggregate classification (germline): Uncertain significance (1 of 4 stars; one submission).

Allele frequency attached by ClinVar (database versions not stated): gnomAD exomes below 0.00001.
gnomAD v4.1: 1 of 1,608,738 alleles (0.000062%); highest among the groups gnomAD compares: Middle Eastern, 0.017%; no homozygotes.

Submission:

Labcorp Genetics (formerly Invitae), Labcorp
Classification: Uncertain significance. Last evaluated: 2022-10-13. Review status: criteria provided, single submitter. Criteria: Invitae Variant Classification Sherloc (09022015). Collection method: clinical testing. Allele origin: germline.
Comment: This sequence change replaces proline, which is neutral and non-polar, with leucine, which is neutral and non-polar, at codon 356 of the SAG protein (p.Pro356Leu). In summary, the available evidence is currently insufficient to determine the role of this variant in disease. Therefore, it has been classified as a Variant of Uncertain Significance. Advanced modeling of protein sequence and biophysical properties (such as structural, functional, and spatial information, amino acid conservation, physicochemical variation, residue mobility, and thermodynamic stability) performed at Invitae indicates that this missense variant is expected to disrupt SAG protein function. ClinVar contains an entry for this variant (Variation ID: 1395415). This variant has not been reported in the literature in individuals affected with SAG-related conditions. The frequency data for this variant in the population databases is considered unreliable, as metrics indicate poor data quality at this position in the gnomAD database.

NM_000541.5(SAG):c.1067C>T (p.Pro356Leu)

Gene: SAG (S-antigen visual arrestin; plus strand). Cytogenetic location: 2q37.1.
Variant type: single nucleotide variant.
Coding change: c.1067C>T on transcript NM_000541.5 (MANE Select); coding-DNA position 1067, C replaced by T.
Protein change: p.Pro356Leu; replaces proline 356 with leucine.
Molecular consequence: missense variant.
Genome position (GRCh38, 1-based): chr2:233,342,291, C>T. VCF-style: chr2-233342291-C-T. GRCh37 (hg19) VCF-style: chr2-234250937-C-T.
Other names: short protein forms P356L.
Identifiers: ClinVar variation 1395415 (VCV001395415.6), dbSNP rs1322359856, ClinGen allele CA351049433.